The following is an entry in ClinVar:

NM_001365536.1(SCN9A):c.1771C>A (p.Pro591Thr)

Genes: SCN9A (sodium voltage-gated channel alpha subunit 9; minus strand), SCN1A-AS1 (SCN1A and SCN9A antisense RNA 1; plus strand). Cytogenetic location: 2q24.3.
Variant type: single nucleotide variant.
Coding change: c.1771C>A on transcript NM_001365536.1 (MANE Select); coding-DNA position 1771, C replaced by A.
Protein change: p.Pro591Thr; replaces proline 591 with threonine.
Molecular consequence: missense variant.
Genome position (GRCh38, 1-based): chr2:166,284,656, G>T on the plus strand (C>A on the coding strand, the complement: SCN9A is on the minus strand). VCF-style: chr2-166284656-G-T. GRCh37 (hg19) VCF-style: chr2-167141166-G-T.
Other names: c.1771C>A, p.Pro591Thr (NM_002977.4); short protein forms P591T.
Identifiers: ClinVar variation 1428372 (VCV001428372.6), dbSNP rs1697651748, ClinGen allele CA349083339.
Genomic context (GRCh38, chr2:166,284,656, plus strand): 5'-TTGGTGGGGACCTACTGGCTTGGCTGATGTTACTGCTGCGTCGCTCCTGGGGTCTGTGGG[G>T]CACAAACAGTGAGCCCCTTCTGCTCTCATTGTCTCCAAAAATGCTGTGCTCATCATCGGC-3'
Protein context (NP_001352465.1, residues 581-601): NESRRGSLFV[Pro591Thr]HRPQERRSSN

ClinVar aggregate classification (germline): Uncertain significance (1 of 4 stars; one submission).

Conditions:
Generalized epilepsy with febrile seizures plus, type 7 (GEFSP7). Also called: GEFS+, TYPE 7. Identifiers: Orphanet 36387, MedGen C2751778, MONDO:0013470, OMIM 613863.
Neuropathy, hereditary sensory and autonomic, type 2A (HSAN2A). Also called: ACROOSTEOLYSIS, GIACCAI TYPE; ACROOSTEOLYSIS, NEUROGENIC; HSAN IIA; WNK1-Related HSAN2 (HSAN2A); NEUROPATHY, CONGENITAL SENSORY; NEUROPATHY, HEREDITARY SENSORY RADICULAR, AUTOSOMAL RECESSIVE. Identifiers: Orphanet 970, MedGen C2752089, MONDO:0024309, OMIM 201300.

Submission:

Labcorp Genetics (formerly Invitae), Labcorp
Classification: Uncertain significance for Neuropathy, hereditary sensory and autonomic, type 2A; Generalized epilepsy with febrile seizures plus, type 7. Last evaluated: 2022-04-09. Review status: criteria provided, single submitter. Criteria: Invitae Variant Classification Sherloc (09022015). Collection method: clinical testing. Allele origin: germline.
Comment: This sequence change replaces proline, which is neutral and non-polar, with threonine, which is neutral and polar, at codon 591 of the SCN9A protein (p.Pro591Thr). This variant is not present in population databases (gnomAD no frequency). This variant has not been reported in the literature in individuals affected with SCN9A-related conditions. Algorithms developed to predict the effect of missense changes on protein structure and function (SIFT, PolyPhen-2, Align-GVGD) all suggest that this variant is likely to be disruptive. In summary, the available evidence is currently insufficient to determine the role of this variant in disease. Therefore, it has been classified as a Variant of Uncertain Significance.